The following is an entry in ClinVar:

NM_006218.4(PIK3CA):c.396A>C (p.Lys132Asn)

Gene: PIK3CA (phosphatidylinositol-4,5-bisphosphate 3-kinase catalytic subunit alpha; plus strand). Cytogenetic location: 3q26.32.
Variant type: single nucleotide variant.
Coding change: c.396A>C on transcript NM_006218.4 (MANE Select); coding-DNA position 396, A replaced by C.
Protein change: p.Lys132Asn; replaces lysine 132 with asparagine.
Molecular consequence: missense variant.
Genome position (GRCh38, 1-based): chr3:179,199,733, A>C. VCF-style: chr3-179199733-A-C. GRCh37 (hg19) VCF-style: chr3-178917521-A-C.
Other names: short protein forms K132N.
Identifiers: ClinVar variation 1992749 (VCV001992749.4), dbSNP rs1326663311, ClinGen allele CA355273240.

ClinVar aggregate classification (germline): Uncertain significance (1 of 4 stars; one submission).

Conditions:
Cowden syndrome (CS). Also called: Cowden's disease; Cowden's syndrome; Cowden disease. Identifiers: Orphanet 201, MedGen C0018553, MONDO:0016063. Disease mechanism: gain of function.

Allele frequency attached by ClinVar (database versions not stated): TOPMed below 0.00001; gnomAD 0.00001.
gnomAD v4.1: 1 of 1,613,228 alleles (0.000062%); highest among the groups gnomAD compares: Non-Finnish European, 0.000085%; no homozygotes.

Submission:

Labcorp Genetics (formerly Invitae), Labcorp
Classification: Uncertain significance for Cowden syndrome. Last evaluated: 2022-05-10. Review status: criteria provided, single submitter. Criteria: Invitae Variant Classification Sherloc (09022015). Collection method: clinical testing. Allele origin: germline.
Comment: Algorithms developed to predict the effect of missense changes on protein structure and function are either unavailable or do not agree on the potential impact of this missense change (SIFT: "Tolerated"; PolyPhen-2: "Probably Damaging"; Align-GVGD: "Class C15"). This variant has not been reported in the literature in individuals affected with PIK3CA-related conditions. This variant is not present in population databases (gnomAD no frequency). This sequence change replaces lysine, which is basic and polar, with asparagine, which is neutral and polar, at codon 132 of the PIK3CA protein (p.Lys132Asn). In summary, the available evidence is currently insufficient to determine the role of this variant in disease. Therefore, it has been classified as a Variant of Uncertain Significance.